The following is an entry in ClinVar:

NM_000179.3(MSH6):c.472dup (p.Glu158fs)

Gene: MSH6 (mutS homolog 6; plus strand). Cytogenetic location: 2p16.3.
Variant type: Duplication.
Coding change: c.472dup on transcript NM_000179.3 (MANE Select); coding-DNA position 472, one base duplicated (G; older notation c.472dupG).
Protein change: p.Glu158fs; shifts the reading frame from glutamic acid 158.
Molecular consequence: frameshift variant. On other transcripts: 5 prime UTR variant (1), intron variant (2).
Genome position (GRCh38, 1-based): chr2:47,795,908, G duplicated; the last of 2 consecutive G bases (chr2:47,795,907-47,795,908); duplicating either gives the same sequence. VCF-style (leftmost placement, unchanged base first): chr2-47795906-A-AG. GRCh37 (hg19) VCF-style: chr2-48023045-A-AG.
Other names: c.-431dup (NM_001281494.2); c.568dup, p.Glu190Glyfs (NM_001406795.1, NM_001406802.1); c.472dup, p.Glu158Glyfs (NM_001406796.1, NM_001406798.1, NM_001406800.1 and 5 more transcripts); c.175dup, p.Glu59Glyfs (NM_001406797.1, NM_001406801.1, NM_001406805.1 and 10 more transcripts); c.-54dup (NM_001406799.1, NM_001406806.1, NM_001406807.1); c.394dup, p.Glu132Glyfs (NM_001406804.1); c.478dup, p.Glu160Glyfs (NM_001406813.1); c.-523dup (NM_001406814.1); and 4 more; short protein forms E158fs.
Identifiers: ClinVar variation 1742712 (VCV001742712.5), dbSNP rs2530515681, ClinGen allele CA2580066957.
Genomic context (GRCh38, chr2:47,795,906, plus strand): 5'-GAGCCTCTGCACCCGGCCCTTATTGTTTATAAATACATTTCTTTCTAGGTTCAAAATCAA[A>AG]GGAAGCCCAGAAGGGAGGTCATTTTTACAGTGCAAAGCCTGAAATACTGAGAGCAATGCA-3'

ClinVar aggregate classification (germline): Pathogenic. Review status: criteria provided, multiple submitters, no conflicts (2 of 4 stars). 2 submissions from 2 submitters: Pathogenic (2). Last evaluated 2023-10-10.

Conditions:
Hereditary nonpolyposis colorectal neoplasms. Identifiers: MedGen C0009405, MeSH D003123.
Hereditary cancer-predisposing syndrome. Also called: Hereditary Cancer Syndrome; Hereditary neoplastic syndrome; Neoplastic Syndromes, Hereditary; Tumor predisposition. Identifiers: Orphanet 140162, MedGen C0027672, MeSH D009386, MONDO:0015356.

Submissions (2):

Labcorp Genetics (formerly Invitae), Labcorp
Classification: Pathogenic for Hereditary nonpolyposis colorectal neoplasms. Last evaluated: 2023-10-10. Review status: criteria provided, single submitter. Criteria: Invitae Variant Classification Sherloc (09022015). Collection method: clinical testing. Allele origin: germline.
Comment: This sequence change creates a premature translational stop signal (p.Glu158Glyfs*14) in the MSH6 gene. It is expected to result in an absent or disrupted protein product. Loss-of-function variants in MSH6 are known to be pathogenic (PMID: 18269114, 24362816). This variant is not present in population databases (gnomAD no frequency). This variant has not been reported in the literature in individuals affected with MSH6-related conditions. ClinVar contains an entry for this variant (Variation ID: 1742712). For these reasons, this variant has been classified as Pathogenic.

Ambry Genetics
Classification: Pathogenic for Hereditary cancer-predisposing syndrome. Last evaluated: 2021-10-18. Review status: criteria provided, single submitter. Criteria: Ambry Variant Classification Scheme 2023. Collection method: clinical testing. Allele origin: germline.
Comment: The c.472dupG pathogenic mutation, located in coding exon 3 of the MSH6 gene, results from a duplication of G at nucleotide position 472, causing a translational frameshift with a predicted alternate stop codon (p.E158Gfs*14). This variant is considered to be rare based on population cohorts in the Genome Aggregation Database (gnomAD). This alteration is expected to result in loss of function by premature protein truncation or nonsense-mediated mRNA decay. As such, this alteration is interpreted as a disease-causing mutation.

Literature cited by the submitters: PubMed 18269114 (cited by Labcorp Genetics (formerly Invitae), Labcorp); PubMed 24362816 (cited by Labcorp Genetics (formerly Invitae), Labcorp).